The following is an entry in ClinVar:

NM_024757.5(EHMT1):c.2072dup (p.His691fs)

Gene: EHMT1 (euchromatic histone lysine methyltransferase 1; plus strand). Cytogenetic location: 9q34.3.
Variant type: Duplication.
Coding change: c.2072dup on transcript NM_024757.5 (MANE Select); coding-DNA position 2072, one base duplicated (A; older notation c.2072dupA).
Protein change: p.His691fs; shifts the reading frame from histidine 691.
Molecular consequence: frameshift variant.
Genome position (GRCh38, 1-based): chr9:137,777,935, A duplicated. VCF-style (leftmost placement, unchanged base first): chr9-137777934-C-CA. GRCh37 (hg19) VCF-style: chr9-140672386-C-CA.
Other names: c.2072dup, p.His691fs (NM_001145527.2); c.1979dup, p.His660fs (NM_001354259.2); c.2051dup, p.His684fs (NM_001354263.2); short protein forms H660fs, H684fs, H691fs.
Identifiers: ClinVar variation 4879224 (VCV004879224.1).
Genomic context (GRCh38, chr9:137,777,934, plus strand): 5'-CCCTGAAGTGCTGCCGGGCCACCACTCTCGGAGGACGACAAGCTGCAGGGTGCAGCCTCC[C>CA]ACGTGCCCGAGGGCTTTGATCCAACGGGACCTGCTGGGCTTGGGAGGCCAACTCCCGGCC-3'

ClinVar aggregate classification (germline): Pathogenic (1 of 4 stars; one submission).

Conditions:
Kleefstra syndrome 1 (KLEFS1). Identifiers: Orphanet 261494, MedGen C0795833, MONDO:0027407, OMIM 610253.

Submission:

Clinical Genomics Laboratory, Washington University in St. Louis
Classification: Pathogenic for Kleefstra syndrome 1. Last evaluated: 2026-02-02. Review status: criteria provided, single submitter. Criteria: ACMG Guidelines, 2015. Collection method: clinical testing. Allele origin: germline. Affected: yes.
Comment: The EHMT1 c.2072dup (p.His691Glnfs*7) variant, to our knowledge, has not been reported in the medical literature. This variant causes a frameshift by inserting a single nucleotide, leading to a premature termination codon, which is predicted to lead to nonsense mediated decay. This variant is absent from the general population (gnomAD v2.1.1), indicating it is not a common variant. Based on available information and the ACMG/AMP guidelines for variant interpretation (Richards S et al., PMID: 25741868), this variant is classified as pathogenic.